The following is an entry in ClinVar:

ClinVar aggregate classification (germline): Uncertain significance (1 of 4 stars; one submission).

Allele frequency attached by ClinVar (database versions not stated): gnomAD exomes below 0.00001; TOPMed 0.00001.
gnomAD v4.1: 3 of 1,146,832 alleles (0.00026%); highest among the groups gnomAD compares: Non-Finnish European, 0.00032%; no homozygotes.

Submission:

Labcorp Genetics (formerly Invitae), Labcorp
Classification: Uncertain significance. Last evaluated: 2024-09-12. Review status: criteria provided, single submitter. Criteria: Invitae Variant Classification Sherloc (09022015). Collection method: clinical testing. Allele origin: germline.
Comment: This sequence change replaces alanine, which is neutral and non-polar, with glutamic acid, which is acidic and polar, at codon 96 of the CTF1 protein (p.Ala96Glu). The frequency data for this variant in the population databases is considered unreliable, as metrics indicate insufficient coverage at this position in the gnomAD database. This variant has not been reported in the literature in individuals affected with CTF1-related conditions. ClinVar contains an entry for this variant (Variation ID: 1445358). An algorithm developed to predict the effect of missense changes on protein structure and function (PolyPhen-2) suggests that this variant is likely to be tolerated. In summary, the available evidence is currently insufficient to determine the role of this variant in disease. Therefore, it has been classified as a Variant of Uncertain Significance.

NM_001330.5(CTF1):c.287C>A (p.Ala96Glu)

Genes: CTF1 (cardiotrophin 1; plus strand), LOC130058878 (ATAC-STARR-seq lymphoblastoid silent region 7400; plus strand). Cytogenetic location: 16p11.2.
Variant type: single nucleotide variant.
Coding change: c.287C>A on transcript NM_001330.5 (MANE Select); coding-DNA position 287, C replaced by A.
Protein change: p.Ala96Glu; replaces alanine 96 with glutamic acid.
Molecular consequence: missense variant. On other transcripts: non-coding transcript variant (1).
Genome position (GRCh38, 1-based): chr16:30,902,220, C>A. VCF-style: chr16-30902220-C-A. GRCh37 (hg19) VCF-style: chr16-30913541-C-A.
Other names: c.284C>A, p.Ala95Glu (NM_001142544.3); short protein forms A95E, A96E.
Identifiers: ClinVar variation 1445358 (VCV001445358.6), dbSNP rs974196158, ClinGen allele CA280531254.